The following is an entry in ClinVar:

NM_000216.4(ANOS1):c.1022_1023del (p.Leu341fs)

Gene: ANOS1 (anosmin 1; minus strand). Cytogenetic location: Xp22.31.
Variant type: Deletion.
Coding change: c.1022_1023del on transcript NM_000216.4 (MANE Select); coding-DNA positions 1022 to 1023, 2 bases deleted (TT; older notation c.1022_1023delTT).
Protein change: p.Leu341fs; shifts the reading frame from leucine 341.
Molecular consequence: frameshift variant.
Genome position (GRCh38, 1-based): chrX:8,570,538-8,570,539, AA deleted on the plus strand (TT on the coding strand, the reverse complement: ANOS1 is on the minus strand). VCF-style (leftmost placement, unchanged base first): chrX-8570537-CAA-C. GRCh37 (hg19) VCF-style: chrX-8538578-CAA-C.
Other names: short protein forms L341fs.
Identifiers: ClinVar variation 3724678 (VCV003724678.2).

ClinVar aggregate classification (germline): Pathogenic (1 of 4 stars; one submission).

Conditions:
Hypogonadotropic hypogonadism 1 with or without anosmia (HH1). Also called: Kallmann syndrome, type 1, X-linked; DYSPLASIA OLFACTOGENITALIS OF DE MORSIER; HYPOGONADOTROPIC HYPOGONADISM AND ANOSMIA; HYPOGONADOTROPIC HYPOGONADISM 1 WITH ANOSMIA; KAL1-Related GnRH Deficiency (Kallmann Syndrome 1; Kallmann Syndrome, X-Linked); Hypogonadotropic hypogonadism 1 with or without anosmia (Kallmann syndrome 1). Identifiers: Orphanet 478, MedGen C1563719, MONDO:0010635, OMIM 308700. Disease mechanism: loss of function.

Submission:

Labcorp Genetics (formerly Invitae), Labcorp
Classification: Pathogenic for Hypogonadotropic hypogonadism 1 with or without anosmia. Last evaluated: 2024-11-05. Review status: criteria provided, single submitter. Criteria: Invitae Variant Classification Sherloc (09022015). Collection method: clinical testing. Allele origin: germline.
Comment: This sequence change creates a premature translational stop signal (p.Leu341Argfs*28) in the ANOS1 gene. It is expected to result in an absent or disrupted protein product. Loss-of-function variants in ANOS1 are known to be pathogenic (PMID: 8504298, 11297579). This variant is not present in population databases (gnomAD no frequency). This variant has not been reported in the literature in individuals affected with ANOS1-related conditions. For these reasons, this variant has been classified as Pathogenic.

Literature cited by the submitters: PubMed 8504298; PubMed 11297579.